The following is an entry in ClinVar:

NM_001394062.1(MACF1):c.11201G>A (p.Ser3734Asn)

Gene: MACF1 (microtubule actin crosslinking factor 1; plus strand). Cytogenetic location: 1p34.3.
Variant type: single nucleotide variant.
Coding change: c.11201G>A on transcript NM_001394062.1 (MANE Select); coding-DNA position 11201, G replaced by A.
Protein change: p.Ser3734Asn; replaces serine 3734 with asparagine.
Molecular consequence: missense variant.
Genome position (GRCh38, 1-based): chr1:39,353,008, G>A. VCF-style: chr1-39353008-G-A. GRCh37 (hg19) VCF-style: chr1-39818680-G-A.
Other names: c.5015G>A, p.Ser1672Asn (NM_012090.5); short protein forms S1672N, S3734N.
Identifiers: ClinVar variation 3042409 (VCV003042409.4), dbSNP rs574306876, ClinGen allele CA781545.

ClinVar aggregate classification (germline): Benign/Likely benign. Review status: criteria provided, multiple submitters, no conflicts (2 of 4 stars). 3 submissions from 3 submitters: Benign (1); Likely benign (1). 1 of the submissions does not count toward it. Last evaluated 2025-10-09.

Conditions:
MACF1-related disorder. Also called: MACF1-related condition.

Allele frequency attached by ClinVar (database versions not stated): TOPMed 0.00003; gnomAD 0.00019; gnomAD exomes 0.00038; ExAC 0.00108; 1000 Genomes Project 0.00140; 1000 Genomes Project 30x 0.00156.
gnomAD v4.1: 597 of 1,611,298 alleles (0.037%); highest among the groups gnomAD compares: South Asian, 0.61%; 5 homozygotes.

Submissions (3):

Labcorp Genetics (formerly Invitae), Labcorp
Classification: Benign. Last evaluated: 2025-10-09. Review status: criteria provided, single submitter. Criteria: Invitae Variant Classification Sherloc (09022015). Collection method: clinical testing. Allele origin: germline.

Blueprint Genetics
Classification: Likely benign. Last evaluated: 2024-10-04. Review status: criteria provided, single submitter. Criteria: ACMG Guidelines, 2015. Collection method: clinical testing. Allele origin: germline.

PreventionGenetics, part of Exact Sciences
Classification: Benign for MACF1-related condition. Last evaluated: 2021-09-13. Review status: no assertion criteria provided. Collection method: clinical testing. Allele origin: germline. Not counted in ClinVar's aggregate classification.
Comment: This variant is classified as benign based on ACMG/AMP sequence variant interpretation guidelines (Richards et al. 2015 PMID: 25741868, with internal and published modifications).